The following is an entry in ClinVar:

NM_000195.5(HPS1):c.725A>G (p.Gln242Arg)

Gene: HPS1 (HPS1 biogenesis of lysosomal organelles complex 3 subunit 1; minus strand). Cytogenetic location: 10q24.2.
Variant type: single nucleotide variant.
Coding change: c.725A>G on transcript NM_000195.5 (MANE Select); coding-DNA position 725, A replaced by G.
Protein change: p.Gln242Arg; replaces glutamine 242 with arginine.
Molecular consequence: missense variant. On other transcripts: 5 prime UTR variant (3).
Genome position (GRCh38, 1-based): chr10:98,430,614, T>C on the plus strand (A>G on the coding strand, the complement: HPS1 is on the minus strand). VCF-style: chr10-98430614-T-C. GRCh37 (hg19) VCF-style: chr10-100190371-T-C.
Other names: c.-149A>G (NM_001311345.2, NM_001322489.2); c.725A>G, p.Gln242Arg (NM_001322476.2, NM_001322477.2, NM_001322478.2 and 3 more transcripts); c.464A>G, p.Gln155Arg (NM_001322480.2, NM_001322481.2, NM_001322482.2); c.356A>G, p.Gln119Arg (NM_001322483.2, NM_001322484.2, NM_001322485.2); c.-248A>G (NM_001322487.2); c.607A>G, p.Arg203Gly (NM_001322490.2, NM_001322492.2); short protein forms Q119R, Q155R, Q242R, R203G.
Identifiers: ClinVar variation 2414771 (VCV002414771.3), dbSNP rs1365772929, ClinGen allele CA378052054.

ClinVar aggregate classification (germline): Uncertain significance (1 of 4 stars; one submission).

Allele frequency attached by ClinVar (database versions not stated): gnomAD exomes below 0.00001.
gnomAD v4.1: 2 of 1,556,382 alleles (0.00013%); highest among the groups gnomAD compares: Middle Eastern, 0.017%; no homozygotes.

Submission:

Labcorp Genetics (formerly Invitae), Labcorp
Classification: Uncertain significance. Last evaluated: 2022-04-12. Review status: criteria provided, single submitter. Criteria: Invitae Variant Classification Sherloc (09022015). Collection method: clinical testing. Allele origin: germline.
Comment: This sequence change replaces glutamine, which is neutral and polar, with arginine, which is basic and polar, at codon 242 of the HPS1 protein (p.Gln242Arg). The frequency data for this variant in the population databases is considered unreliable, as metrics indicate poor data quality at this position in the gnomAD database. This variant has not been reported in the literature in individuals affected with HPS1-related conditions. Algorithms developed to predict the effect of missense changes on protein structure and function (SIFT, PolyPhen-2, Align-GVGD) all suggest that this variant is likely to be tolerated. In summary, the available evidence is currently insufficient to determine the role of this variant in disease. Therefore, it has been classified as a Variant of Uncertain Significance.